The following is an entry in ClinVar:

NM_000548.5(TSC2):c.4895A>C (p.Lys1632Thr)

Gene: TSC2 (TSC complex subunit 2; plus strand). Cytogenetic location: 16p13.3.
Variant type: single nucleotide variant.
Coding change: c.4895A>C on transcript NM_000548.5 (MANE Select); coding-DNA position 4895, A replaced by C.
Protein change: p.Lys1632Thr; replaces lysine 1632 with threonine.
Molecular consequence: missense variant. On other transcripts: non-coding transcript variant (5).
Genome position (GRCh38, 1-based): chr16:2,086,777, A>C. VCF-style: chr16-2086777-A-C. GRCh37 (hg19) VCF-style: chr16-2136778-A-C.
Other names: c.4694A>C, p.Lys1565Thr (NM_001077183.3); c.4826A>C, p.Lys1609Thr (NM_001114382.3); c.4586A>C, p.Lys1529Thr (NM_001318827.2); c.4550A>C, p.Lys1517Thr (NM_001318829.2); c.4163A>C, p.Lys1388Thr (NM_001318831.2); c.4727A>C, p.Lys1576Thr (NM_001318832.2); c.4697A>C, p.Lys1566Thr (NM_001363528.2); c.4763A>C, p.Lys1588Thr (NM_001370404.1); and 26 more; short protein forms K1141T, K1546T, K1572T, K1589T, K1606T, K1608T, K1118T, K1562T.
Identifiers: ClinVar variation 2564706 (VCV002564706.2), dbSNP rs2151585772, ClinGen allele CA394308420.

ClinVar aggregate classification (germline): Uncertain significance (1 of 4 stars; one submission).

Conditions:
Hereditary cancer-predisposing syndrome. Also called: Neoplastic Syndromes, Hereditary; Hereditary Cancer Syndrome; Hereditary neoplastic syndrome; Tumor predisposition. Identifiers: Orphanet 140162, MedGen C0027672, MeSH D009386, MONDO:0015356.

Submission:

Ambry Genetics
Classification: Uncertain significance for Hereditary cancer-predisposing syndrome. Last evaluated: 2023-04-18. Review status: criteria provided, single submitter. Criteria: Ambry Variant Classification Scheme 2023. Collection method: clinical testing. Allele origin: germline.
Comment: The p.K1632T variant (also known as c.4895A>C), located in coding exon 37 of the TSC2 gene, results from an A to C substitution at nucleotide position 4895. The lysine at codon 1632 is replaced by threonine, an amino acid with similar properties. This amino acid position is conserved. In addition, this alteration is predicted to be deleterious by in silico analysis. Since supporting evidence is limited at this time, the clinical significance of this alteration remains unclear.